The following is an entry in ClinVar:

NM_138694.4(PKHD1):c.5660A>C (p.Glu1887Ala)

Gene: PKHD1 (PKHD1 ciliary IPT domain containing fibrocystin/polyductin; minus strand). Cytogenetic location: 6p12.2.
Variant type: single nucleotide variant.
Coding change: c.5660A>C on transcript NM_138694.4 (MANE Select); coding-DNA position 5660, A replaced by C.
Protein change: p.Glu1887Ala; replaces glutamic acid 1887 with alanine.
Molecular consequence: missense variant.
Genome position (GRCh38, 1-based): chr6:52,010,400, T>G on the plus strand (A>C on the coding strand, the complement: PKHD1 is on the minus strand). VCF-style: chr6-52010400-T-G. GRCh37 (hg19) VCF-style: chr6-51875198-T-G.
Other names: c.5660A>C, p.Glu1887Ala (NM_170724.3); c.5660A>C (NM_138694.3); short protein forms E1887A.
Identifiers: ClinVar variation 2164942 (VCV002164942.3), dbSNP rs1371761544, ClinGen allele CA364423091.

ClinVar aggregate classification (germline): Uncertain significance. Review status: criteria provided, multiple submitters, no conflicts (2 of 4 stars). 2 submissions from 2 submitters: Uncertain significance (2). Last evaluated 2023-03-20.

Conditions:
Inborn genetic diseases. Identifiers: MedGen C0950123, MeSH D030342.
Autosomal recessive polycystic kidney disease (ARPKD). Also called: AR polycystic kidney disease. Identifiers: Orphanet 731, Orphanet 8378, MedGen C0085548, MeSH D017044, MONDO:0009889.

Allele frequency attached by ClinVar (database versions not stated): gnomAD exomes below 0.00001; TOPMed below 0.00001; gnomAD 0.00001.
gnomAD v4.1: 3 of 1,610,672 alleles (0.00019%); highest among the groups gnomAD compares: Admixed American, 0.0033%; no homozygotes.

Submissions (2):

Ambry Genetics
Classification: Uncertain significance for Inborn genetic diseases. Last evaluated: 2023-03-20. Review status: criteria provided, single submitter. Criteria: Ambry Variant Classification Scheme 2023. Collection method: clinical testing. Allele origin: germline.

Labcorp Genetics (formerly Invitae), Labcorp
Classification: Uncertain significance for Autosomal recessive polycystic kidney disease. Last evaluated: 2021-12-21. Review status: criteria provided, single submitter. Criteria: Invitae Variant Classification Sherloc (09022015). Collection method: clinical testing. Allele origin: germline.
Comment: This sequence change replaces glutamic acid, which is acidic and polar, with alanine, which is neutral and non-polar, at codon 1887 of the PKHD1 protein (p.Glu1887Ala). The frequency data for this variant in the population databases is considered unreliable, as metrics indicate poor data quality at this position in the gnomAD database. This variant has not been reported in the literature in individuals affected with PKHD1-related conditions. Advanced modeling of protein sequence and biophysical properties (such as structural, functional, and spatial information, amino acid conservation, physicochemical variation, residue mobility, and thermodynamic stability) performed at Invitae indicates that this missense variant is not expected to disrupt PKHD1 protein function. In summary, the available evidence is currently insufficient to determine the role of this variant in disease. Therefore, it has been classified as a Variant of Uncertain Significance.